The following is an entry in ClinVar:

ClinVar aggregate classification (germline): Likely benign. Review status: criteria provided, multiple submitters, no conflicts (2 of 4 stars). 3 submissions from 3 submitters: Likely benign (2). 1 of the submissions does not count toward it. Last evaluated 2026-03-01.

Conditions:
LTBP4-related disorder. Also called: LTBP4-related condition.

Allele frequency attached by ClinVar (database versions not stated): ExAC 0.00006; gnomAD exomes 0.00006; gnomAD 0.00007; TOPMed 0.00014.
gnomAD v4.1: 111 of 1,612,866 alleles (0.0069%); highest among the groups gnomAD compares: Middle Eastern, 0.049%; no homozygotes.

Submissions (3):

CeGaT Center for Human Genetics Tuebingen
Classification: Likely benign. Last evaluated: 2026-03-01. Review status: criteria provided, single submitter. Criteria: CeGaT Center For Human Genetics Tuebingen Variant Classification Criteria Version 2. Collection method: clinical testing. Allele origin: germline. Affected: yes. Observed: 1 variant allele.
Comment: LTBP4: BP4, BP7

Labcorp Genetics (formerly Invitae), Labcorp
Classification: Likely benign. Last evaluated: 2026-01-26. Review status: criteria provided, single submitter. Criteria: Invitae Variant Classification Sherloc (09022015). Collection method: clinical testing. Allele origin: germline.

PreventionGenetics, part of Exact Sciences
Classification: Likely benign for LTBP4-related condition. Last evaluated: 2019-05-09. Review status: no assertion criteria provided. Collection method: clinical testing. Allele origin: germline. Not counted in ClinVar's aggregate classification.
Comment: This variant is classified as likely benign based on ACMG/AMP sequence variant interpretation guidelines (Richards et al. 2015 PMID: 25741868, with internal and published modifications).

NM_001042545.2(LTBP4):c.477C>T (p.His159=)

Gene: LTBP4 (latent transforming growth factor beta binding protein 4; plus strand). Cytogenetic location: 19q13.2.
Variant type: single nucleotide variant.
Coding change: c.477C>T on transcript NM_001042545.2 (MANE Select); coding-DNA position 477, C replaced by T.
Protein change: p.His159=; no amino-acid change (histidine 159 retained).
Molecular consequence: synonymous variant.
Genome position (GRCh38, 1-based): chr19:40,605,439, C>T. VCF-style: chr19-40605439-C-T. GRCh37 (hg19) VCF-style: chr19-41111345-C-T.
Other names: c.678C>T, p.His226= (NM_001042544.1); c.567C>T, p.His189= (NM_003573.2).
Identifiers: ClinVar variation 2164043 (VCV002164043.10), dbSNP rs564816866, ClinGen allele CA9448050.